The following is an entry in ClinVar:

NM_024747.6(HPS6):c.444C>G (p.Ala148=)

Gene: HPS6 (HPS6 biogenesis of lysosomal organelles complex 2 subunit 3; plus strand). Cytogenetic location: 10q24.32.
Variant type: single nucleotide variant.
Coding change: c.444C>G on transcript NM_024747.6 (MANE Select); coding-DNA position 444, C replaced by G.
Protein change: p.Ala148=; no amino-acid change (alanine 148 retained).
Molecular consequence: synonymous variant.
Genome position (GRCh38, 1-based): chr10:102,065,918, C>G. VCF-style: chr10-102065918-C-G. GRCh37 (hg19) VCF-style: chr10-103825675-C-G.
Other names: p.Ala148=.
Identifiers: ClinVar variation 284200 (VCV000284200.21), dbSNP rs533784966, ClinGen allele CA5659783.
Genomic context (GRCh38, chr10:102,065,918, plus strand): 5'-TGTGGCAGTGGCGGCGCTCCGAGGCCGCCTGGTGTGGTGCGAGGAGCGGCAGGCCCGGGC[C>G]GAGGGCCCGTCAGGGTCGCCAGCAGCCGCTTTCAGCCACTGTGTGTGCGTCCGGACTCTG-3'
Protein context (NP_079023.2, residues 138-158): LVWCEERQAR[Ala148=]EGPSGSPAAA

ClinVar aggregate classification (germline): Benign/Likely benign. Review status: criteria provided, multiple submitters, no conflicts (2 of 4 stars). 6 submissions from 6 submitters: Benign (4); Likely benign (1). 1 of the submissions does not count toward it. Last evaluated 2026-03-10.

Conditions:
HPS6-related disorder. Also called: HPS6-related condition.
Hermansky-Pudlak syndrome 6 (HPS6). Identifiers: Orphanet 231512, Orphanet 79430, MedGen C3888007, MONDO:0013558, OMIM 614075.

Allele frequency attached by ClinVar (database versions not stated): TOPMed 0.00008; gnomAD 0.00024 and below 0.00001; 1000 Genomes Project 30x 0.00125; 1000 Genomes Project 0.00260.

Submissions (6):

Women's Health and Genetics/Laboratory Corporation of America, LabCorp
Classification: Benign. Last evaluated: 2026-03-10. Review status: criteria provided, single submitter. Criteria: LabCorp Variant Classification Summary - May 2015. Collection method: clinical testing. Allele origin: germline.

Labcorp Genetics (formerly Invitae), Labcorp
Classification: Benign. Last evaluated: 2026-02-01. Review status: criteria provided, single submitter. Criteria: Invitae Variant Classification Sherloc (09022015). Collection method: clinical testing. Allele origin: germline.

Mayo Clinic Laboratories, Mayo Clinic
Classification: Likely benign. Last evaluated: 2023-10-24. Review status: criteria provided, single submitter. Criteria: ACMG Guidelines, 2015. Collection method: clinical testing. Allele origin: germline. Observed: 2 variant alleles.
Comment: BS1, BP4, BP7

Illumina Laboratory Services, Illumina
Classification: Benign for Hermansky-Pudlak syndrome 6. Last evaluated: 2018-01-13. Review status: criteria provided, single submitter. Criteria: ICSL Variant Classification Criteria 13 December 2019. Collection method: clinical testing. Allele origin: germline.
Comment: This variant was observed in the ICSL laboratory as part of a predisposition screen in an ostensibly healthy population. It had not been previously curated by ICSL or reported in the Human Gene Mutation Database (HGMD: prior to June 1st, 2018), and was therefore a candidate for classification through an automated scoring system. Utilizing variant allele frequency, disease prevalence and penetrance estimates, and inheritance mode, an automated score was calculated to assess if this variant is too frequent to cause the disease. Based on the score and internal cut-off values, a variant classified as benign is not then subjected to further curation. The score for this variant resulted in a classification of benign for this disease.

Eurofins Ntd Llc (ga)
Classification: Benign. Last evaluated: 2015-11-16. Review status: criteria provided, single submitter. Criteria: EGL Classification Definitions 2015. Collection method: clinical testing. Allele origin: germline. Observed: 1 variant allele, 1 heterozygote.

PreventionGenetics, part of Exact Sciences
Classification: Likely benign for HPS6-related condition. Last evaluated: 2024-07-18. Review status: no assertion criteria provided. Collection method: clinical testing. Allele origin: germline. Not counted in ClinVar's aggregate classification.
Comment: This variant is classified as likely benign based on ACMG/AMP sequence variant interpretation guidelines (Richards et al. 2015 PMID: 25741868, with internal and published modifications).